The following is an entry in ClinVar:

NM_031220.4(PITPNM3):c.1136G>A (p.Gly379Glu)

Gene: PITPNM3 (PITPNM family member 3; minus strand). Cytogenetic location: 17p13.2.
Variant type: single nucleotide variant.
Coding change: c.1136G>A on transcript NM_031220.4 (MANE Select); coding-DNA position 1136, G replaced by A.
Protein change: p.Gly379Glu; replaces glycine 379 with glutamic acid.
Molecular consequence: missense variant.
Genome position (GRCh38, 1-based): chr17:6,474,554, C>T on the plus strand (G>A on the coding strand, the complement: PITPNM3 is on the minus strand). VCF-style: chr17-6474554-C-T. GRCh37 (hg19) VCF-style: chr17-6377874-C-T.
Other names: c.1028G>A, p.Gly343Glu (NM_001165966.2); short protein forms G343E, G379E.
Identifiers: ClinVar variation 3010830 (VCV003010830.3), dbSNP rs1281578183, ClinGen allele CA397406919.

ClinVar aggregate classification (germline): Uncertain significance (1 of 4 stars; one submission).

gnomAD v4.1: 1 of 1,599,360 alleles (0.000063%); highest among the groups gnomAD compares: Non-Finnish European, 0.000085%; no homozygotes.

Submission:

Labcorp Genetics (formerly Invitae), Labcorp
Classification: Uncertain significance. Last evaluated: 2025-03-10. Review status: criteria provided, single submitter. Criteria: Invitae Variant Classification Sherloc (09022015). Collection method: clinical testing. Allele origin: germline.
Comment: This sequence change replaces glycine, which is neutral and non-polar, with glutamic acid, which is acidic and polar, at codon 379 of the PITPNM3 protein (p.Gly379Glu). This variant is not present in population databases (gnomAD no frequency). This variant has not been reported in the literature in individuals affected with PITPNM3-related conditions. ClinVar contains an entry for this variant (Variation ID: 3010830). An algorithm developed to predict the effect of missense changes on protein structure and function (PolyPhen-2) suggests that this variant is likely to be tolerated. In summary, the available evidence is currently insufficient to determine the role of this variant in disease. Therefore, it has been classified as a Variant of Uncertain Significance.